The following is an entry in ClinVar:

ClinVar aggregate classification (germline): Pathogenic/Likely pathogenic. Review status: criteria provided, multiple submitters, no conflicts (2 of 4 stars). 3 submissions from 3 submitters: Pathogenic (2); Likely pathogenic (1). Last evaluated 2025-09-09.

Conditions:
Abetalipoproteinaemia (ABL). Also called: MTP DEFICIENCY; Abetalipoproteinemia; Abetalipoproteinemia neuropathy; Apolipoprotein B deficiency; Congenital betalipoprotein deficiency syndrome. Identifiers: Orphanet 14, MedGen C0000744, MONDO:0008692, OMIM 200100, HP:0008181.

Submissions (3):

Natera, Inc.
Classification: Pathogenic for Abetalipoproteinemia. Last evaluated: 2025-09-09. Review status: criteria provided, single submitter. Criteria: Natera Variant Classification Schema (03/2026). Collection method: clinical testing. Allele origin: germline.
Comment: The c.307A>T variant in MTTP is a nonsense variant predicted to introduce a stop codon at amino acid 103. This variant is expected to result in nonsense mediated decay, truncation, or a dysfunctional protein product. This variant is rare in the general population with a frequency below the threshold expected for the associated phenotype(s). This variant has been observed in one or more individuals affected with the associated recessive disease, as either homozygous or compound heterozygous with a second variant (PMID: 17275380). Given the available evidence, this variant is classified as Pathogenic.

Labcorp Genetics (formerly Invitae), Labcorp
Classification: Pathogenic. Last evaluated: 2022-07-29. Review status: criteria provided, single submitter. Criteria: Invitae Variant Classification Sherloc (09022015). Collection method: clinical testing. Allele origin: germline.
Comment: This sequence change creates a premature translational stop signal (p.Lys103*) in the MTTP gene. It is expected to result in an absent or disrupted protein product. Loss-of-function variants in MTTP are known to be pathogenic (PMID: 8533758, 9671739). This variant is not present in population databases (gnomAD no frequency). This premature translational stop signal has been observed in individual(s) with abetalipoproteinemia (PMID: 17275380). ClinVar contains an entry for this variant (Variation ID: 633321). For these reasons, this variant has been classified as Pathogenic.

Women's Health and Genetics/Laboratory Corporation of America, LabCorp
Classification: Likely pathogenic for Abetalipoproteinaemia. Last evaluated: 2018-09-14. Review status: criteria provided, single submitter. Criteria: LabCorp Variant Classification Summary - May 2015. Collection method: clinical testing. Allele origin: germline.
Comment: Variant summary: MTTP c.307A>T (p.Lys103X) results in a premature termination codon, predicted to cause a truncation of the encoded protein or absence of the protein due to nonsense mediated decay, which are commonly known mechanisms for disease. A truncation downstream of this position, c.2593G>T (p.Gly865X) has been classified as pathogenic by our laboratory. The variant was absent in 244606 control chromosomes (gnomAD and publication). c.307A>T has been reported in the literature in a homozygous individual affected with Abetalipoproteinaemia (Bassen-Kornzweig Syndrome)(Benayoun_2007). The data indicates that the variant may be associated with disease. To our knowledge, no experimental evidence demonstrating an impact on protein function has been reported. No clinical diagnostic laboratories have submitted clinical-significance assessments for this variant to ClinVar after 2014. Based on the evidence outlined above, the variant was classified as likely pathogenic.

Literature cited by the submitters: PubMed 17275380 (cited by 3 submitters); PubMed 8533758 (cited by Labcorp Genetics (formerly Invitae), Labcorp); PubMed 9671739 (cited by Labcorp Genetics (formerly Invitae), Labcorp).

NM_001386140.1(MTTP):c.307A>T (p.Lys103Ter)

Gene: MTTP (microsomal triglyceride transfer protein; plus strand). Cytogenetic location: 4q23.
Variant type: single nucleotide variant.
Coding change: c.307A>T on transcript NM_001386140.1 (MANE Select); coding-DNA position 307, A replaced by T.
Protein change: p.Lys103Ter; replaces lysine 103 with a stop codon.
Molecular consequence: nonsense.
Genome position (GRCh38, 1-based): chr4:99,583,431, A>T. VCF-style: chr4-99583431-A-T. GRCh37 (hg19) VCF-style: chr4-100504588-A-T.
Other names: c.307A>T, p.Lys103Ter (NM_000253.4); c.58A>T, p.Lys20Ter (NM_001300785.2); short protein forms K103*, K20*.
Identifiers: ClinVar variation 633321 (VCV000633321.7), dbSNP rs1560614646, ClinGen allele CA357502184.